The following is an entry in ClinVar:

NM_000936.4(PNLIP):c.277G>T (p.Gly93Ter)

Gene: PNLIP (pancreatic lipase; plus strand). Cytogenetic location: 10q25.3.
Variant type: single nucleotide variant.
Coding change: c.277G>T on transcript NM_000936.4 (MANE Select); coding-DNA position 277, G replaced by T.
Protein change: p.Gly93Ter; replaces glycine 93 with a stop codon.
Molecular consequence: nonsense.
Genome position (GRCh38, 1-based): chr10:116,548,435, G>T. VCF-style: chr10-116548435-G-T. GRCh37 (hg19) VCF-style: chr10-118307947-G-T.
Other names: short protein forms G93*.
Identifiers: ClinVar variation 3725311 (VCV003725311.2).

ClinVar aggregate classification (germline): Pathogenic (1 of 4 stars; one submission).

Submission:

Labcorp Genetics (formerly Invitae), Labcorp
Classification: Pathogenic. Last evaluated: 2024-11-15. Review status: criteria provided, single submitter. Criteria: Invitae Variant Classification Sherloc (09022015). Collection method: clinical testing. Allele origin: germline.
Comment: This sequence change creates a premature translational stop signal (p.Gly93*) in the PNLIP gene. It is expected to result in an absent or disrupted protein product. Loss-of-function variants in PNLIP are known to be pathogenic (PMID: 31977950, 35284057). This variant is not present in population databases (gnomAD no frequency). This variant has not been reported in the literature in individuals affected with PNLIP-related conditions. Algorithms developed to predict the effect of sequence changes on RNA splicing suggest that this variant may disrupt the consensus splice site. For these reasons, this variant has been classified as Pathogenic.

Literature cited by the submitters: PubMed 31977950; PubMed 35284057.